The following is an entry in ClinVar:

ClinVar aggregate classification (germline): Benign. Review status: criteria provided, multiple submitters, no conflicts (2 of 4 stars). 3 submissions from 3 submitters: Benign (2). 1 of the submissions does not count toward it. Last evaluated 2018-08-14.

Conditions:
MUC16-related disorder. Also called: MUC16-related condition.

Allele frequency attached by ClinVar (database versions not stated): TOPMed 0.02474; ExAC 0.00689; gnomAD 0.02179 and 0.02332; ESP Exome Variant Server 0.02265; gnomAD exomes 0.00238 and 0.00572; 1000 Genomes Project 0.02256; 1000 Genomes Project 30x 0.02436.

Submissions (3):

Labcorp Genetics (formerly Invitae), Labcorp
Classification: Benign. Last evaluated: 2018-08-14. Review status: criteria provided, single submitter. Criteria: Invitae Variant Classification Sherloc (09022015). Collection method: clinical testing. Allele origin: germline.

Breakthrough Genomics
Classification: Benign. Review status: criteria provided, single submitter. Criteria: ACMG Guidelines, 2015. Collection method: not provided. Allele origin: germline. Inheritance: Unknown mechanism. Affected: yes.

PreventionGenetics, part of Exact Sciences
Classification: Benign for MUC16-related condition. Last evaluated: 2019-10-01. Review status: no assertion criteria provided. Collection method: clinical testing. Allele origin: germline. Not counted in ClinVar's aggregate classification.
Comment: This variant is classified as benign based on ACMG/AMP sequence variant interpretation guidelines (Richards et al. 2015 PMID: 25741868, with internal and published modifications).

NM_001401501.2(MUC16):c.8145G>A (p.Ser2715=)

Gene: MUC16 (mucin 16, cell surface associated; minus strand). Cytogenetic location: 19p13.2.
Variant type: single nucleotide variant.
Coding change: c.8145G>A on transcript NM_001401501.2 (MANE Select); coding-DNA position 8145, G replaced by A.
Protein change: p.Ser2715=; no amino-acid change (serine 2715 retained).
Molecular consequence: synonymous variant.
Genome position (GRCh38, 1-based): chr19:8,973,114, C>T on the plus strand (G>A on the coding strand, the complement: MUC16 is on the minus strand). VCF-style: chr19-8973114-C-T. GRCh37 (hg19) VCF-style: chr19-9083790-C-T.
Other names: c.8571G>A, p.Ser2857= (NM_001414686.1); c.8025G>A, p.Ser2675= (NM_001414687.1, NM_024690.2).
Identifiers: ClinVar variation 781410 (VCV000781410.6), dbSNP rs10402994, ClinGen allele CA9172057.